The following is an entry in ClinVar:

ClinVar aggregate classification (germline): Uncertain significance (1 of 4 stars; one submission).

Submission:

Labcorp Genetics (formerly Invitae), Labcorp
Classification: Uncertain significance. Last evaluated: 2023-09-30. Review status: criteria provided, single submitter. Criteria: Invitae Variant Classification Sherloc (09022015). Collection method: clinical testing. Allele origin: unknown.
Comment: In summary, the available evidence is currently insufficient to determine the role of this variant in disease. Therefore, it has been classified as a Variant of Uncertain Significance. This variant has not been reported in the literature in individuals affected with SH3KBP1-related conditions. This variant results in a copy number gain of the genomic region encompassing exon(s) 13-17 of the SH3KBP1 gene. While the exact position of this variant cannot be determined from the data, sub-genic copy number gains are generally in tandem (PMID: 25640679). This variant is predicted to be out-of-frame, and may result in an absent or disrupted protein product. However, the current clinical and genetic evidence is not sufficient to establish whether loss-of-function variants in SH3KBP1 cause disease.

Literature cited by the submitters: PubMed 25640679.

NC_000023.10:g.(?_19555815)_(19587326_?)dup

Gene: SH3KBP1 (SH3 domain containing kinase binding protein 1; minus strand). Cytogenetic location: Xp22.12.
Variant type: Duplication.
Identifiers: ClinVar variation 3246895 (VCV003246895.1).